The following is an entry in ClinVar:

NM_001015878.2(AURKC):c.436-4A>G

Gene: AURKC (aurora kinase C; plus strand). Cytogenetic location: 19q13.43.
Variant type: single nucleotide variant.
Coding change: c.436-4A>G on transcript NM_001015878.2 (MANE Select); 4 bases into the intron before coding-DNA position 436, A replaced by G.
Molecular consequence: intron variant.
Genome position (GRCh38, 1-based): chr19:57,233,456, A>G. VCF-style: chr19-57233456-A-G. GRCh37 (hg19) VCF-style: chr19-57744824-A-G.
Other names: c.334-4A>G (NM_003160.3); c.379-4A>G (NM_001015879.2).
Identifiers: ClinVar variation 330231 (VCV000330231.8), dbSNP rs148623255, ClinGen allele CA9695984.
Genomic context (GRCh38, chr19:57,233,456, plus strand): 5'-TTCCACCTCAGACGGAAATTGTGGCAGGCTTCACTTCCAGGGTGACTTTTCTTTGCACCC[A>G]CAGATAATAGAGGAGTTGGCAGATGCCCTGACCTACTGCCATGACAAGAAAGTGATTCAC-3'

ClinVar aggregate classification (germline): Uncertain significance. Review status: criteria provided, multiple submitters, no conflicts (2 of 4 stars). 3 submissions from 3 submitters: Uncertain significance (2). 1 of the submissions does not count toward it. Last evaluated 2018-01-12.

Conditions:
Infertility associated with multi-tailed spermatozoa and excessive DNA (SPGF5). Also called: Male Infertility with Large-Headed, Multiflagellar, Polyploid Spermatozoa; spermatogenic failure 5. Identifiers: Orphanet 137893, MedGen C0403812, MONDO:0009461, OMIM 243060.
AURKC-related disorder. Also called: AURKC-related condition.

Allele frequency attached by ClinVar (database versions not stated): 1000 Genomes Project 0.00220; ExAC 0.00224; gnomAD exomes 0.00261 and 0.00375; 1000 Genomes Project 30x 0.00265; ESP Exome Variant Server 0.00284; gnomAD 0.00297 and 0.00299; TOPMed 0.00321.

Submissions (3):

Illumina Laboratory Services, Illumina
Classification: Uncertain significance for Infertility associated with multi-tailed spermatozoa and excessive DNA. Last evaluated: 2018-01-12. Review status: criteria provided, single submitter. Criteria: ICSL Variant Classification Criteria 13 December 2019. Collection method: clinical testing. Allele origin: germline.

Breakthrough Genomics
Classification: Uncertain significance. Review status: criteria provided, single submitter. Criteria: ACMG Guidelines, 2015. Collection method: not provided. Allele origin: germline. Inheritance: Autosomal dominant inheritance. Affected: yes.

PreventionGenetics, part of Exact Sciences
Classification: Likely benign for AURKC-related condition. Last evaluated: 2019-07-16. Review status: no assertion criteria provided. Collection method: clinical testing. Allele origin: germline. Not counted in ClinVar's aggregate classification.
Comment: This variant is classified as likely benign based on ACMG/AMP sequence variant interpretation guidelines (Richards et al. 2015 PMID: 25741868, with internal and published modifications).